The following is an entry in ClinVar:

ClinVar aggregate classification (germline): Conflicting classifications of pathogenicity. Review status: criteria provided, conflicting classifications (1 of 4 stars). 3 submissions from 3 submitters: Likely pathogenic (1); Likely benign (2). Last evaluated 2026-04-01.

Conditions:
Primary ciliary dyskinesia. Also called: Ciliary dyskinesia. Identifiers: Orphanet 244, MedGen C0008780, MONDO:0016575, HP:0012265.

Allele frequency attached by ClinVar (database versions not stated): ExAC 0.00072; gnomAD exomes 0.01089.

Submissions (17):

Department of Human Genetics, Hannover Medical School
Classification: Likely pathogenic for Primary Ciliary Dyskinesia. Last evaluated: 2026-04-01. Review status: criteria provided, single submitter. Criteria: ACMG Guidelines, 2015. Collection method: research. Allele origin: germline. Affected: no.
Comment: Classification performed by HerediClassify using the following criteria:['PM2_supporting: Variant occures does not occur as homozygous in gnomAD.', 'PVS1_splicing_very_strong: Transcript ENST00000389054 undergoes NMD.']

GeneDx
Classification: Likely benign. Last evaluated: 2019-08-06. Review status: criteria provided, single submitter. Criteria: GeneDx Variant Classification Process June 2021. Collection method: clinical testing. Allele origin: germline. Affected: yes.

Breakthrough Genomics
Classification: Likely benign. Review status: criteria provided, single submitter. Criteria: ACMG Guidelines, 2015. Collection method: not provided. Allele origin: germline. Inheritance: Autosomal recessive inheritance. Affected: yes.

Dr. Peter K. Rogan Lab, Western University
No classification provided (evidence only). Condition: Familial cancer of breast. Review status: no classification provided. Collection method: in vitro. Allele origin: not applicable. Functional consequence: retained intron. Not counted in ClinVar's aggregate classification.

Dr. Peter K. Rogan Lab, Western University
No classification provided (evidence only). Condition: Acute myeloid leukemia. Review status: no classification provided. Collection method: in vitro. Allele origin: not applicable. Functional consequence: retained intron. Not counted in ClinVar's aggregate classification.

Dr. Peter K. Rogan Lab, Western University
No classification provided (evidence only). Condition: Uterine corpus endometrial carcinoma. Review status: no classification provided. Collection method: in vitro. Allele origin: not applicable. Functional consequence: retained intron. Not counted in ClinVar's aggregate classification.

Dr. Peter K. Rogan Lab, Western University
No classification provided (evidence only). Condition: Cervical cancer. Review status: no classification provided. Collection method: in vitro. Allele origin: not applicable. Functional consequence: retained intron. Not counted in ClinVar's aggregate classification.

Dr. Peter K. Rogan Lab, Western University
No classification provided (evidence only). Condition: Sarcoma. Review status: no classification provided. Collection method: in vitro. Allele origin: not applicable. Functional consequence: retained intron. Not counted in ClinVar's aggregate classification.

Dr. Peter K. Rogan Lab, Western University
No classification provided (evidence only). Condition: Sarcoma. Review status: no classification provided. Collection method: in vitro. Allele origin: not applicable. Functional consequence: retained intron. Not counted in ClinVar's aggregate classification.

Dr. Peter K. Rogan Lab, Western University
No classification provided (evidence only). Condition: Thymoma. Review status: no classification provided. Collection method: in vitro. Allele origin: not applicable. Functional consequence: retained intron. Not counted in ClinVar's aggregate classification.

Dr. Peter K. Rogan Lab, Western University
No classification provided (evidence only). Condition: Thymoma. Review status: no classification provided. Collection method: in vitro. Allele origin: not applicable. Functional consequence: retained intron. Not counted in ClinVar's aggregate classification.

Dr. Peter K. Rogan Lab, Western University
No classification provided (evidence only). Condition: Thymoma. Review status: no classification provided. Collection method: in vitro. Allele origin: not applicable. Functional consequence: retained intron. Not counted in ClinVar's aggregate classification.

Dr. Peter K. Rogan Lab, Western University
No classification provided (evidence only). Condition: Ovarian serous cystadenocarcinoma. Review status: no classification provided. Collection method: in vitro. Allele origin: not applicable. Functional consequence: cryptic splice site. Not counted in ClinVar's aggregate classification.

Dr. Peter K. Rogan Lab, Western University
No classification provided (evidence only). Condition: Malignant tumor of esophagus. Review status: no classification provided. Collection method: in vitro. Allele origin: not applicable. Functional consequence: retained intron. Not counted in ClinVar's aggregate classification.

Dr. Peter K. Rogan Lab, Western University
No classification provided (evidence only). Condition: Malignant tumor of esophagus. Review status: no classification provided. Collection method: in vitro. Allele origin: not applicable. Functional consequence: cryptic splice site, retained intron. Not counted in ClinVar's aggregate classification.

Dr. Peter K. Rogan Lab, Western University
No classification provided (evidence only). Condition: Malignant tumor of esophagus. Review status: no classification provided. Collection method: in vitro. Allele origin: not applicable. Functional consequence: retained intron. Not counted in ClinVar's aggregate classification.

Dr. Peter K. Rogan Lab, Western University
No classification provided (evidence only). Condition: Malignant tumor of esophagus. Review status: no classification provided. Collection method: in vitro. Allele origin: not applicable. Functional consequence: retained intron. Not counted in ClinVar's aggregate classification.

NM_005219.5(DIAPH1):c.3149-1G>T

Gene: DIAPH1 (diaphanous related formin 1; minus strand). Cytogenetic location: 5q31.3.
Variant type: single nucleotide variant.
Coding change: c.3149-1G>T on transcript NM_005219.5 (MANE Select); the canonical splice acceptor site of the intron before coding-DNA position 3149, G replaced by T.
Molecular consequence: splice acceptor variant.
Genome position (GRCh38, 1-based): chr5:141,527,698, C>A on the plus strand (G>T on the coding strand, the complement: DIAPH1 is on the minus strand). VCF-style: chr5-141527698-C-A. GRCh37 (hg19) VCF-style: chr5-140907265-C-A.
Other names: NC_000005.9:g.140907265C>A; c.3122-1G>T (NM_001079812.3); c.3149-1G>T (NM_001314007.2).
Identifiers: ClinVar variation 1205048 (VCV001205048.6), dbSNP rs80342520, ClinGen allele CA3478846.
Genomic context (GRCh38, chr5:141,527,698, plus strand): 5'-CCACATCAGAAATTTGTTTCTTCATCTGATCTAGGTTCTTTTGCAAGTTTTCAGCAGAAA[C>A]TAAAAAAAAAAAAAAAAAAAAAAACCATAAAAACAGACAGCAAGAGCTTACTAATAATCC-3'